The following is an entry in ClinVar:

ClinVar aggregate classification (germline): Uncertain significance (1 of 4 stars; one submission).

Conditions:
Renal cell carcinoma. Identifiers: Orphanet 217071, MedGen C0007134, MeSH D002292, MONDO:0005086, HP:0005584.

Submission:

Labcorp Genetics (formerly Invitae), Labcorp
Classification: Uncertain significance for Renal cell carcinoma. Last evaluated: 2021-09-20. Review status: criteria provided, single submitter. Criteria: Invitae Variant Classification Sherloc (09022015). Collection method: clinical testing. Allele origin: germline.
Comment: Algorithms developed to predict the effect of missense changes on protein structure and function are either unavailable or do not agree on the potential impact of this missense change (SIFT: "Deleterious"; PolyPhen-2: "Probably Damaging"; Align-GVGD: "Class C0"). This variant has not been reported in the literature in individuals affected with MET-related conditions. This variant is not present in population databases (ExAC no frequency). This sequence change replaces phenylalanine with leucine at codon 253 of the MET protein (p.Phe253Leu). The phenylalanine residue is highly conserved and there is a small physicochemical difference between phenylalanine and leucine. In summary, the available evidence is currently insufficient to determine the role of this variant in disease. Therefore, it has been classified as a Variant of Uncertain Significance.

NM_000245.4(MET):c.759T>G (p.Phe253Leu)

Gene: MET (MET proto-oncogene, receptor tyrosine kinase; plus strand). Cytogenetic location: 7q31.2.
Variant type: single nucleotide variant.
Coding change: c.759T>G on transcript NM_000245.4 (MANE Select); coding-DNA position 759, T replaced by G.
Protein change: p.Phe253Leu; replaces phenylalanine 253 with leucine.
Molecular consequence: missense variant. On other transcripts: intron variant (1).
Genome position (GRCh38, 1-based): chr7:116,699,843, T>G. VCF-style: chr7-116699843-T-G. GRCh37 (hg19) VCF-style: chr7-116339897-T-G.
Other names: c.759T>G, p.Phe253Leu (NM_001127500.3, NM_001324401.3); c.-91+27266T>G (NM_001324402.2); short protein forms F253L.
Identifiers: ClinVar variation 1491921 (VCV001491921.6), dbSNP rs2116597103, ClinGen allele CA368969787.